The following is an entry in ClinVar:

NM_006445.4(PRPF8):c.653A>G (p.Lys218Arg)

Gene: PRPF8 (pre-mRNA processing factor 8; minus strand). Cytogenetic location: 17p13.3.
Variant type: single nucleotide variant.
Coding change: c.653A>G on transcript NM_006445.4 (MANE Select); coding-DNA position 653, A replaced by G.
Protein change: p.Lys218Arg; replaces lysine 218 with arginine.
Molecular consequence: missense variant.
Genome position (GRCh38, 1-based): chr17:1,681,820, T>C on the plus strand (A>G on the coding strand, the complement: PRPF8 is on the minus strand). VCF-style: chr17-1681820-T-C. GRCh37 (hg19) VCF-style: chr17-1585114-T-C.
Other names: short protein forms K218R.
Identifiers: ClinVar variation 1383777 (VCV001383777.8), dbSNP rs1912946069, ClinGen allele CA397568447.

ClinVar aggregate classification (germline): Uncertain significance (1 of 4 stars; one submission).

Allele frequency attached by ClinVar (database versions not stated): gnomAD exomes below 0.00001; TOPMed below 0.00001.
gnomAD v4.1: 1 of 1,613,956 alleles (0.000062%); highest among the groups gnomAD compares: African/African-American, 0.0013%; no homozygotes.

Submission:

Labcorp Genetics (formerly Invitae), Labcorp
Classification: Uncertain significance. Last evaluated: 2023-07-03. Review status: criteria provided, single submitter. Criteria: Invitae Variant Classification Sherloc (09022015). Collection method: clinical testing. Allele origin: germline.
Comment: This sequence change replaces lysine, which is basic and polar, with arginine, which is basic and polar, at codon 218 of the PRPF8 protein (p.Lys218Arg). This variant is not present in population databases (gnomAD no frequency). This variant has not been reported in the literature in individuals affected with PRPF8-related conditions. ClinVar contains an entry for this variant (Variation ID: 1383777). An algorithm developed to predict the effect of missense changes on protein structure and function (PolyPhen-2) suggests that this variant is likely to be tolerated. In summary, the available evidence is currently insufficient to determine the role of this variant in disease. Therefore, it has been classified as a Variant of Uncertain Significance.